The following is an entry in ClinVar:

ClinVar aggregate classification (germline): Uncertain significance (1 of 4 stars; one submission).

gnomAD v4.1: 110 of 1,613,904 alleles (0.0068%); highest among the groups gnomAD compares: Admixed American, 0.075%; 2 homozygotes.

Submission:

Labcorp Genetics (formerly Invitae), Labcorp
Classification: Uncertain significance. Last evaluated: 2024-02-08. Review status: criteria provided, single submitter. Criteria: Invitae Variant Classification Sherloc (09022015). Collection method: clinical testing. Allele origin: germline.
Comment: This sequence change replaces proline, which is neutral and non-polar, with serine, which is neutral and polar, at codon 9 of the NR3C1 protein (p.Pro9Ser). This variant is present in population databases (rs61759024, gnomAD 0.06%), and has an allele count higher than expected for a pathogenic variant. This variant has not been reported in the literature in individuals affected with NR3C1-related conditions. Algorithms developed to predict the effect of missense changes on protein structure and function output the following: SIFT: "Not Available"; PolyPhen-2: "Benign"; Align-GVGD: "Not Available". The serine amino acid residue is found in multiple mammalian species, which suggests that this missense change does not adversely affect protein function. In summary, the available evidence is currently insufficient to determine the role of this variant in disease. Therefore, it has been classified as a Variant of Uncertain Significance.

NM_000176.3(NR3C1):c.25C>T (p.Pro9Ser)

Gene: NR3C1 (nuclear receptor subfamily 3 group C member 1; minus strand). Cytogenetic location: 5q31.3.
Variant type: single nucleotide variant.
Coding change: c.25C>T on transcript NM_000176.3 (MANE Select); coding-DNA position 25, C replaced by T.
Protein change: p.Pro9Ser; replaces proline 9 with serine.
Molecular consequence: missense variant. On other transcripts: 5 prime UTR variant (7).
Genome position (GRCh38, 1-based): chr5:143,400,815, G>A on the plus strand (C>T on the coding strand, the complement: NR3C1 is on the minus strand). VCF-style: chr5-143400815-G-A. GRCh37 (hg19) VCF-style: chr5-142780380-G-A.
Other names: c.-981C>T (NM_001204264.2); c.25C>T, p.Pro9Ser (NM_001204265.2, NM_001364180.2, NM_001364181.2 and 10 more transcripts); c.-54C>T (NM_001204258.2); c.-231C>T (NM_001204259.2); c.-243C>T (NM_001204260.2); c.-267C>T (NM_001204261.2); c.-921C>T (NM_001204262.2); c.-966C>T (NM_001204263.2); short protein forms P9S.
Identifiers: ClinVar variation 3632325 (VCV003632325.2).